The following is an entry in ClinVar:

NM_001330701.2(AGTPBP1):c.2833C>T (p.Gln945Ter)

Gene: AGTPBP1 (ATP/GTP binding carboxypeptidase 1; minus strand). Cytogenetic location: 9q21.33.
Variant type: single nucleotide variant.
Coding change: c.2833C>T on transcript NM_001330701.2 (MANE Select); coding-DNA position 2833, C replaced by T.
Protein change: p.Gln945Ter; replaces glutamine 945 with a stop codon.
Molecular consequence: nonsense.
Genome position (GRCh38, 1-based): chr9:85,588,368, G>A on the plus strand (C>T on the coding strand, the complement: AGTPBP1 is on the minus strand). VCF-style: chr9-85588368-G-A. GRCh37 (hg19) VCF-style: chr9-88203283-G-A.
Other names: c.2989C>T, p.Gln997Ter (NM_001286715.1); c.2869C>T, p.Gln957Ter (NM_001286717.1); c.2713C>T, p.Gln905Ter (NM_015239.3); short protein forms Q905*, Q945*, Q957*, Q997*.
Identifiers: ClinVar variation 2444496 (VCV002444496.4), dbSNP rs2537710137, ClinGen allele CA373914145.

ClinVar aggregate classification (germline): Likely pathogenic (1 of 4 stars; one submission).

Conditions:
Neurodegeneration, childhood-onset, with cerebellar atrophy. Identifiers: MedGen C4748934, MONDO:0032650, OMIM 618276.

Allele frequency attached by ClinVar (database versions not stated): gnomAD exomes below 0.00001.
gnomAD v4.1: 2 of 1,613,408 alleles (0.00012%); highest among the groups gnomAD compares: South Asian, 0.0022%; no homozygotes.

Submission:

Diagnostics Services (NGS), CSIR - Centre For Cellular And Molecular Biology
Classification: Likely pathogenic for Neurodegeneration, childhood-onset, with cerebellar atrophy. Last evaluated: 2023-03-16. Review status: criteria provided, single submitter. Criteria: ACMG Guidelines, 2015. Collection method: clinical testing. Allele origin: germline. Inheritance: Autosomal recessive inheritance. Affected: yes. Observed: 1 homozygote.
Comment: The c.2833C>T variant is not present in publicly available population databases like 1000 Genomes, ExAC, EVS, Indian Exome Database or our in-house exome database. The variant has neither been published in literature nor reported to clinical databases like in ClinVar, Human Gene Mutation Database (HGMD) or OMIM, in any affected individuals. In silico pathogenicity prediction programs like MutationTaster2, CADD, Varsome, Franklin etc predicted this variant to be likely deleterious. This variant creates a premature translational stop signal at the 945th amino acid position of the transcript that may either result in translation of a truncated protein or causes nonsense mediated decay of the mRNA.